The following is an entry in ClinVar:

NM_000059.4(BRCA2):c.9435_9436del (p.Ser3147fs)

Gene: BRCA2 (BRCA2 DNA repair associated; plus strand). Cytogenetic location: 13q13.1.
Variant type: Microsatellite.
Coding change: c.9435_9436del on transcript NM_000059.4 (MANE Select); coding-DNA positions 9435 to 9436, 2 bases deleted (GT; older notation c.9435_9436delGT).
Protein change: p.Ser3147fs; shifts the reading frame from serine 3147.
Molecular consequence: frameshift variant.
Genome position (GRCh38, 1-based): chr13:32,394,867-32,394,868, GT deleted; deleting any 2 consecutive bases within chr13:32,394,864-32,394,868 gives the same sequence; the c. name uses the placement nearest the transcript's 3' end. VCF-style (leftmost placement, unchanged base first): chr13-32394863-CTG-C. GRCh37 (hg19) VCF-style: chr13-32969000-CTG-C.
Other names: 9663delGT; c.9432_9433delTG (NM_000059.3); c.9434_9435delTG (NM_000059.3); c.9432_9433del (NM_000059.3); short protein forms S3147fs.
Identifiers: ClinVar variation 38240 (VCV000038240.54), dbSNP rs80359763, ClinGen allele CA026156.

ClinVar aggregate classification (germline): Pathogenic. Review status: reviewed by expert panel (3 of 4 stars). 29 submissions from 29 submitters: Pathogenic (1). 28 of the submissions do not count toward it. Last evaluated 2016-09-08.

Conditions:
Hereditary cancer-predisposing syndrome. Also called: Hereditary neoplastic syndrome; Hereditary Cancer Syndrome; Tumor predisposition; Neoplastic Syndromes, Hereditary. Identifiers: Orphanet 140162, MedGen C0027672, MeSH D009386, MONDO:0015356.
BRCA2-related disorder. Also called: BRCA2-related condition; BRCA2-related disorders. Identifiers: MedGen CN239275.
Breast and/or ovarian cancer. Identifiers: MedGen CN221562.
Glioma susceptibility 3 (GLM3). Also called: Glioblastoma 3. Identifiers: Orphanet 182067, Orphanet 360, MedGen C2751641, MONDO:0013093, OMIM 613029.
Prostate cancer. Also called: Malignant tumor of prostate. Identifiers: Orphanet 1331, MedGen C0376358, MONDO:0008315, HP:0012125.
Breast-ovarian cancer, familial, susceptibility to, 2 (BROVCA2). Also called: BRCA2 Hereditary Breast and Ovarian Cancer. Identifiers: Orphanet 145, MedGen C2675520, MONDO:0012933, OMIM 612555. Disease mechanism: loss of function.
Wilms tumor 1 (WT1). Also called: Wilms tumor, somatic. Identifiers: Orphanet 654, MedGen CN033288, MONDO:0008679, OMIM 194070.
Medulloblastoma (MDB). Also called: MEDULLOBLASTOMA PREDISPOSITION SYNDROME; Medulloblastoma, somatic. Identifiers: Orphanet 616, MedGen C0025149, MeSH D008527, MONDO:0007959, OMIM 155255, HP:0002885.
Fanconi anemia complementation group D1. Also called: BRCA2-Related Fanconi Anemia. Identifiers: Orphanet 319462, MedGen C1838457, MONDO:0011584, OMIM 605724.
Familial cancer of breast. Also called: Hereditary breast cancer; hereditary breast carcinoma; BREAST CANCER, FAMILIAL. Identifiers: Orphanet 227535, MedGen C0346153, MONDO:0016419, OMIM 114480. Disease mechanism: loss of function.
Pancreatic cancer, susceptibility to, 2. Identifiers: Orphanet 1333, MedGen C3150546, MONDO:0013235, OMIM 613347.
Hereditary breast ovarian cancer syndrome. Also called: Breast and ovarian cancer; Hereditary breast and/or ovarian cancer syndrome; Hereditary breast and ovarian cancer; Hereditary breast and ovarian cancer syndrome; BRCA1- and BRCA2-Associated Hereditary Breast and Ovarian Cancer; Hereditary breast and ovarian cancer syndrome (HBOC). Identifiers: Orphanet 145, MedGen C0677776, MeSH D061325, MONDO:0003582. Disease mechanism: loss of function.
Breast-ovarian cancer, familial, susceptibility to, 1 (BROVCA1). Also called: BRCA1 Hereditary Breast and Ovarian Cancer; OVARIAN CANCER, SUSCEPTIBILITY TO. Identifiers: Orphanet 145, MedGen C2676676, MONDO:0011450, OMIM 604370. Disease mechanism: loss of function.

Submissions 1 to 6 of 29:

Evidence-based Network for the Interpretation of Germline Mutant Alleles (ENIGMA)
Classification: Pathogenic for Breast-ovarian cancer, familial, susceptibility to, 2. Last evaluated: 2016-09-08. Review status: reviewed by expert panel. Criteria: ENIGMA BRCA1/2 Classification Criteria (2015). Collection method: curation. Allele origin: germline.
Comment: Variant allele predicted to encode a truncated non-functional protein.

Labcorp Genetics (formerly Invitae), Labcorp
Classification: Pathogenic for Hereditary breast ovarian cancer syndrome. Last evaluated: 2026-01-31. Review status: criteria provided, single submitter. Criteria: Invitae Variant Classification Sherloc (09022015). Collection method: clinical testing. Allele origin: germline. Not counted in ClinVar's aggregate classification.
Comment: This sequence change creates a premature translational stop signal (p.Ser3147Cysfs*2) in the BRCA2 gene. It is expected to result in an absent or disrupted protein product. Loss-of-function variants in BRCA2 are known to be pathogenic (PMID: 20104584). This variant is present in population databases (rs80359763, gnomAD 0.0009%). This premature translational stop signal has been observed in individual(s) with breast cancer and male breast cancer and melanoma (PMID: 8673090, 18489799, 21913181, 22798144, 24504028, 28008555). This variant is also known as 9433delGT, 9663delGT and 3144_3145del. ClinVar contains an entry for this variant (Variation ID: 38240). For these reasons, this variant has been classified as Pathogenic.

Variantyx, Inc.
Classification: Pathogenic for Breast-ovarian cancer, familial, susceptibility to, 2. Last evaluated: 2025-10-28. Review status: criteria provided, single submitter. Criteria: Variantyx Assertion Criteria 2022. Collection method: clinical testing. Allele origin: germline. Inheritance: Autosomal dominant inheritance. Affected: yes. Not counted in ClinVar's aggregate classification.
Comment: This is a frameshift variant in the BRCA2 gene (OMIM: 600185). Pathogenic variants in this gene have been associated with autosomal dominant susceptibility to familial breast ovarian cancer 2. This variant introduces a premature termination codon in exon 25 out of 27 and is expected to result in loss of function, which is a known disease mechanism for BRCA2 in this disorder (PMID:8673090;20301425) (PVS1). This variant has been reported in several unrelated affected individuals (PMID: 28008555, 22798144, 21913181, 18489799, 8673090) (PS4), while it has a 0.0010% maximum allele frequency in non-founder control populations (PM2). Other reputable laboratories have reported this variant as pathogenic or likely pathogenic, and this classification has been validated by an expert panel in ClinVar (PP5). Based on the current evidence, this variant is classified as pathogenic for autosomal dominant susceptibility to familial breast ovarian cancer 2.

Quest Diagnostics Nichols Institute San Juan Capistrano
Classification: Pathogenic. Last evaluated: 2025-10-03. Review status: criteria provided, single submitter. Criteria: Quest Diagnostics criteria. Collection method: clinical testing. Allele origin: unknown. Not counted in ClinVar's aggregate classification.
Comment: The BRCA2 c.9435_9436del (p.Ser3147Cysfs*2) variant alters the translational reading frame of the BRCA2 mRNA and causes the premature termination of BRCA2 protein synthesis. This variant has been reported in the published literature in individuals with breast cancer (PMID: 8673090 (1996), 21913181 (2012), 27798748 (2017), 35464868 (2022)), male breast cancer (PMID: 28008555 (2017)), ovarian cancer (PMID: 28888541 (2017)), and prostate cancer (PMID: 36623239 (2023)). This variant has also been identified in reportedly unaffected individuals (PMID: 33471991 (2021), see also LOVD). The frequency of this variant in the general population (Genome Aggregation Database) is consistent with pathogenicity. Based on the available information, this variant is classified as pathogenic.

ARUP Laboratories, Molecular Genetics and Genomics, ARUP Laboratories
Classification: Pathogenic. Last evaluated: 2024-07-10. Review status: criteria provided, single submitter. Criteria: ARUP Molecular Germline Variant Investigation Process 2024. Collection method: clinical testing. Allele origin: germline. Not counted in ClinVar's aggregate classification.
Comment: The BRCA2 c.9435_9436delGT; p.Ser3147CysfsTer2 variant (rs864622235), also known as 9433_9434del and 9663_9664del, has been published in the medical literature in multiple individuals with breast cancer and families with HBOC (Kim 2012, Litton 2012, Machackova 2008, Phelan 1996). This variant is also reported in ClinVar (Variation ID: 38240). This variant is also absent from general population databases (Exome Variant Server, Genome Aggregation Database), indicating it is not a common polymorphism. This variant creates a frameshift by deleting 2 nucleotides, so it is predicted to result in a truncated protein or mRNA subject to nonsense-mediated decay. Based on available information, this variant is considered pathogenic. References: Kim H et al. Characteristics and spectrum of BRCA1 and BRCA2 mutations in 3,922 Korean patients with breast and ovarian cancer. Breast Cancer Res Treat. 2012 Aug;134(3):1315-26. Litton JK et al. Earlier age of onset of BRCA mutation-related cancers in subsequent generations. Cancer. 2012 Jan 15;118(2):321-5. Machackova E et al. Spectrum and characterisation of BRCA1 and BRCA2 deleterious mutations in high-risk Czech patients with breast and/or ovarian cancer. BMC Cancer. 2008 May 20;8:140. Phelan CM et al. Mutation analysis of the BRCA2 gene in 49 site-specific breast cancer families. Nat Genet. 1996 May;13(1):120-2.

Ambry Genetics
Classification: Pathogenic for Hereditary cancer-predisposing syndrome. Last evaluated: 2024-06-26. Review status: criteria provided, single submitter. Criteria: Ambry Variant Classification Scheme 2023. Collection method: clinical testing. Allele origin: germline. Not counted in ClinVar's aggregate classification.
Comment: The c.9435_9436delGT pathogenic mutation, located in coding exon 24 of the BRCA2 gene, results from a deletion of two nucleotides at nucleotide positions 9435 to 9436, causing a translational frameshift with a predicted alternate stop codon (p.S3147Cfs*2). This mutation was first reported in a Canadian high-risk breast cancer family (Phelan CM et al. Nat. Genet. 1996 May;13:120-2). It has also been described in a Korean cohort of high-risk breast cancer families (Kim H et al. Breast Cancer Res. Treat. 2012 Aug;134:1315-26), as well as other HBOC families (Lubinski J et al. Fam. Cancer. 2004;3:1-10; Litton JK et al. Cancer. 2012 Jan;118:321-5). Of note, this alteration is also designated as 9433delGT and 9663delGT in published literature. In addition to the clinical data presented in the literature, this alteration is expected to result in loss of function by premature protein truncation or nonsense-mediated mRNA decay. As such, this alteration is interpreted as a disease-causing mutation.